The following is an entry in ClinVar:

ClinVar aggregate classification (germline): Pathogenic (1 of 4 stars; one submission).

Conditions:
Hereditary spastic paraplegia 56. Also called: Spastic Paraplegia 56; SPASTIC PARAPLEGIA 56, AUTOSOMAL RECESSIVE, WITH OR WITHOUT PSEUDOXANTHOMA ELASTICUM; Spastic paraplegia 56, autosomal recessive. Identifiers: Orphanet 320411, MedGen C3539507, MONDO:0014015, OMIM 615030.

Submission:

Center of Genomic medicine, Geneva, University Hospital of Geneva
Classification: Pathogenic for Hereditary spastic paraplegia 56. Last evaluated: 2017-06-07. Review status: criteria provided, single submitter. Criteria: ACMG Guidelines, 2015. Collection method: clinical testing. Allele origin: maternal. Affected: yes.

NM_183075.3(CYP2U1):c.943C>T (p.Gln315Ter)

Gene: CYP2U1 (cytochrome P450 family 2 subfamily U member 1; plus strand). Cytogenetic location: 4q25.
Variant type: single nucleotide variant.
Coding change: c.943C>T on transcript NM_183075.3 (MANE Select); coding-DNA position 943, C replaced by T.
Protein change: p.Gln315Ter; replaces glutamine 315 with a stop codon.
Molecular consequence: nonsense.
Genome position (GRCh38, 1-based): chr4:107,945,422, C>T. VCF-style: chr4-107945422-C-T. GRCh37 (hg19) VCF-style: chr4-108866578-C-T.
Other names: short protein forms Q315*.
Identifiers: ClinVar variation 433183 (VCV000433183.2), dbSNP rs1553937522, ClinGen allele CA357837573.